The following is an entry in ClinVar:

NM_001304548.2(CFAP47):c.2983C>G (p.Leu995Val)

Gene: CFAP47 (cilia and flagella associated protein 47; plus strand). Cytogenetic location: Xp21.1.
Variant type: single nucleotide variant.
Coding change: c.2983C>G on transcript NM_001304548.2 (MANE Select); coding-DNA position 2983, C replaced by G.
Protein change: p.Leu995Val; replaces leucine 995 with valine.
Molecular consequence: missense variant.
Genome position (GRCh38, 1-based): chrX:35,993,205, C>G. VCF-style: chrX-35993205-C-G. GRCh37 (hg19) VCF-style: chrX-36011322-C-G.
Other names: short protein forms L995V.
Identifiers: ClinVar variation 2660263 (VCV002660263.24), dbSNP rs189284303, ClinGen allele CA328869371.

ClinVar aggregate classification (germline): Likely benign (1 of 4 stars; one submission).

Allele frequency attached by ClinVar (database versions not stated): gnomAD exomes 0.00014; 1000 Genomes Project 30x 0.00021; 1000 Genomes Project 0.00026; gnomAD 0.00028; TOPMed 0.00059.
gnomAD v4.1: 61 of 294,190 alleles (0.021%); highest among the groups gnomAD compares: Admixed American, 0.24%; no homozygotes.

Submission:

CeGaT Center for Human Genetics Tuebingen
Classification: Likely benign. Last evaluated: 2023-04-01. Review status: criteria provided, single submitter. Criteria: CeGaT Center For Human Genetics Tuebingen Variant Classification Criteria Version 2. Collection method: clinical testing. Allele origin: germline. Affected: yes. Observed: 1 variant allele.
Comment: CFAP47: BS2